The following is an entry in ClinVar:

ClinVar aggregate classification (germline): Uncertain significance (1 of 4 stars; one submission).

Allele frequency attached by ClinVar (database versions not stated): ExAC 0.00001; gnomAD 0.00002; gnomAD exomes 0.00002; TOPMed 0.00002.
gnomAD v4.1: 32 of 1,503,544 alleles (0.0021%); highest among the groups gnomAD compares: East Asian, 0.02%; no homozygotes.

Submission:

Labcorp Genetics (formerly Invitae), Labcorp
Classification: Uncertain significance. Last evaluated: 2022-03-21. Review status: criteria provided, single submitter. Criteria: Invitae Variant Classification Sherloc (09022015). Collection method: clinical testing. Allele origin: germline.
Comment: In summary, the available evidence is currently insufficient to determine the role of this variant in disease. Therefore, it has been classified as a Variant of Uncertain Significance. Algorithms developed to predict the effect of missense changes on protein structure and function are either unavailable or do not agree on the potential impact of this missense change (SIFT: "Deleterious"; PolyPhen-2: "Probably Damaging"; Align-GVGD: "Class C0"). This variant has not been reported in the literature in individuals affected with GRID2-related conditions. This variant is present in population databases (rs778480880, gnomAD 0.006%). This sequence change replaces arginine, which is basic and polar, with histidine, which is basic and polar, at codon 444 of the GRID2 protein (p.Arg444His).

NM_001510.4(GRID2):c.1331G>A (p.Arg444His)

Gene: GRID2 (glutamate ionotropic receptor delta type subunit 2; plus strand). Cytogenetic location: 4q22.2.
Variant type: single nucleotide variant.
Coding change: c.1331G>A on transcript NM_001510.4 (MANE Select); coding-DNA position 1331, G replaced by A.
Protein change: p.Arg444His; replaces arginine 444 with histidine.
Molecular consequence: missense variant.
Genome position (GRCh38, 1-based): chr4:93,395,692, G>A. VCF-style: chr4-93395692-G-A. GRCh37 (hg19) VCF-style: chr4-94316843-G-A.
Other names: c.1046G>A, p.Arg349His (NM_001286838.1); short protein forms R349H, R444H.
Identifiers: ClinVar variation 1897094 (VCV001897094.5), dbSNP rs778480880, ClinGen allele CA3012248.